The following is an entry in ClinVar:

ClinVar aggregate classification (germline): Uncertain significance. Review status: criteria provided, multiple submitters, no conflicts (2 of 4 stars). 2 submissions from 2 submitters: Uncertain significance (2). Last evaluated 2025-07-09.

Conditions:
Cardiomyopathy (CMYO). Also called: Cardiomyopathies. Identifiers: Orphanet 167848, MedGen C0878544, MONDO:0004994, HP:0001638. Inheritance: Various modes of inheritance.
Familial isolated arrhythmogenic right ventricular dysplasia. Identifiers: Orphanet 217656, MedGen C4274968, MONDO:0016342.

Submissions (2):

Color Diagnostics, LLC DBA Color Health
Classification: Uncertain significance for Cardiomyopathy. Last evaluated: 2025-07-09. Review status: criteria provided, single submitter. Criteria: ACMG Guidelines, 2015. Collection method: clinical testing. Allele origin: germline.
Comment: This variant causes an in-frame duplication of one amino acid at exon 1 of the DSC2 protein. To our knowledge, functional studies have not been reported for this variant. This variant has not been reported in individuals affected with DSC2-related disorders in the literature. This variant has not been identified in the general population by the Genome Aggregation Database (gnomAD). The available evidence is insufficient to determine the role of this variant in disease conclusively. Therefore, this variant is classified as a Variant of Uncertain Significance.

All of Us Research Program, National Institutes of Health
Classification: Uncertain significance for Familial isolated arrhythmogenic right ventricular dysplasia. Last evaluated: 2023-04-27. Review status: criteria provided, single submitter. Criteria: ACMG Guidelines, 2015. Collection method: clinical testing. Allele origin: germline. Inheritance: Autosomal dominant inheritance. Observed: 1 variant allele, 1 heterozygote.
Comment: This study involves interpretation of variants in research participants for the purpose of population health screening. Participant phenotype was not available at the time of variant classification. Additional details can be found in publication PMID: 35346344, PMCID: PMC8962531

NM_024422.6(DSC2):c.35_37dup (p.Gly12_Ala13insGly)

Genes: DSC2 (desmocollin 2; minus strand), DSCAS (DSC1/DSC2 antisense RNA; plus strand). Cytogenetic location: 18q12.1.
Variant type: Duplication.
Coding change: c.35_37dup on transcript NM_024422.6 (MANE Select); coding-DNA positions 35 to 37, 3 bases duplicated (GAG; older notation c.35_37dupGAG).
Protein change: p.Gly12_Ala13insGly.
Molecular consequence: inframe insertion.
Genome position (GRCh38, 1-based): chr18:31,101,935-31,101,937, CTC duplicated on the plus strand (GAG on the coding strand, the reverse complement: DSC2 is on the minus strand); duplicating any 3 consecutive bases within chr18:31,101,935-31,101,938 gives the same sequence; the c. name uses the placement nearest the transcript's 3' end. VCF-style (leftmost placement, unchanged base first): chr18-31101934-G-GCTC. GRCh37 (hg19) VCF-style: chr18-28681897-G-GCTC.
Other names: c.35_37dup, p.Gly12_Ala13insGly (NM_004949.5).
Identifiers: ClinVar variation 3070607 (VCV003070607.2), dbSNP rs1987976072, ClinGen allele CA2293660540.